The following is an entry in ClinVar:

NM_004104.5(FASN):c.6307C>T (p.His2103Tyr)

Gene: FASN (fatty acid synthase; minus strand). Cytogenetic location: 17q25.3.
Variant type: single nucleotide variant.
Coding change: c.6307C>T on transcript NM_004104.5 (MANE Select); coding-DNA position 6307, C replaced by T.
Protein change: p.His2103Tyr; replaces histidine 2103 with tyrosine.
Molecular consequence: missense variant.
Genome position (GRCh38, 1-based): chr17:82,081,700, G>A on the plus strand (C>T on the coding strand, the complement: FASN is on the minus strand). VCF-style: chr17-82081700-G-A. GRCh37 (hg19) VCF-style: chr17-80039576-G-A.
Other names: short protein forms H2103Y.
Identifiers: ClinVar variation 462096 (VCV000462096.9), dbSNP rs200347376, ClinGen allele CA8851343.

ClinVar aggregate classification (germline): Uncertain significance (1 of 4 stars; one submission).

Conditions:
Epileptic encephalopathy. Identifiers: MedGen C0543888, HP:0200134.

Allele frequency attached by ClinVar (database versions not stated): gnomAD exomes 0.00014 and 0.00015; TOPMed 0.00014; gnomAD 0.00009; ExAC 0.00010.
gnomAD v4.1: 222 of 1,612,642 alleles (0.014%); highest among the groups gnomAD compares: Admixed American, 0.028%; no homozygotes.

Submission:

Labcorp Genetics (formerly Invitae), Labcorp
Classification: Uncertain significance for Epileptic encephalopathy. Last evaluated: 2025-07-28. Review status: criteria provided, single submitter. Criteria: Invitae Variant Classification Sherloc (09022015). Collection method: clinical testing. Allele origin: germline.
Comment: This sequence change replaces histidine, which is basic and polar, with tyrosine, which is neutral and polar, at codon 2103 of the FASN protein (p.His2103Tyr). This variant is present in population databases (rs200347376, gnomAD 0.03%). This variant has not been reported in the literature in individuals affected with FASN-related conditions. ClinVar contains an entry for this variant (Variation ID: 462096). An algorithm developed to predict the effect of missense changes on protein structure and function outputs the following: PolyPhen-2: "Benign". The tyrosine amino acid residue is found in multiple mammalian species, which suggests that this missense change does not adversely affect protein function. In summary, the available evidence is currently insufficient to determine the role of this variant in disease. Therefore, it has been classified as a Variant of Uncertain Significance.